The following is an entry in ClinVar:

NM_001042492.3(NF1):c.5290G>A (p.Val1764Ile)

Gene: NF1 (neurofibromin 1; plus strand). Cytogenetic location: 17q11.2.
Variant type: single nucleotide variant.
Coding change: c.5290G>A on transcript NM_001042492.3 (MANE Select); coding-DNA position 5290, G replaced by A.
Protein change: p.Val1764Ile; replaces valine 1764 with isoleucine.
Molecular consequence: missense variant.
Genome position (GRCh38, 1-based): chr17:31,327,520, G>A. VCF-style: chr17-31327520-G-A. GRCh37 (hg19) VCF-style: chr17-29654538-G-A.
Other names: c.5227G>A, p.Val1743Ile (NM_000267.4); short protein forms V1743I, V1764I.
Identifiers: ClinVar variation 232345 (VCV000232345.15), dbSNP rs778427434, ClinGen allele CA8487172.

ClinVar aggregate classification (germline): Conflicting classifications of pathogenicity. Review status: criteria provided, conflicting classifications (1 of 4 stars). 5 submissions from 4 submitters: Uncertain significance (2); Likely benign (3). Last evaluated 2026-05-13.

Conditions:
Cardiovascular phenotype. Identifiers: MedGen CN230736.
Hereditary cancer-predisposing syndrome. Also called: Hereditary neoplastic syndrome; Neoplastic Syndromes, Hereditary; Hereditary Cancer Syndrome; Tumor predisposition. Identifiers: Orphanet 140162, MedGen C0027672, MeSH D009386, MONDO:0015356.
Neurofibromatosis, type 1 (NF1). Also called: NEUROFIBROMATOSIS, TYPE I, SOMATIC; Neurofibromatosis, type I; VON RECKLINGHAUSEN DISEASE; Peripheral type neurofibromatosis. Identifiers: Orphanet 636, MedGen C0027831, MONDO:0018975, OMIM 162200. Disease mechanism: loss of function.

Allele frequency attached by ClinVar (database versions not stated): gnomAD exomes below 0.00001 and 0.00002; TOPMed 0.00002; ExAC 0.00003; gnomAD 0.00001.
gnomAD v4.1: 7 of 1,613,594 alleles (0.00043%); highest among the groups gnomAD compares: East Asian, 0.016%; no homozygotes.

Submissions (5):

Myriad Genetics, Inc.
Classification: Likely benign for Neurofibromatosis, type 1. Last evaluated: 2026-05-13. Review status: criteria provided, single submitter. Criteria: Myriad Autosomal Dominant, Autosomal Recessive and X-Linked Classification Criteria (2023). Collection method: clinical testing. Allele origin: unknown.
Comment: This variant is considered likely benign. This variant has been observed at a population frequency that is significantly greater than expected given the associated disease prevalence and penetrance.

Labcorp Genetics (formerly Invitae), Labcorp
Classification: Likely benign for Neurofibromatosis, type 1. Last evaluated: 2025-09-03. Review status: criteria provided, single submitter. Criteria: Invitae Variant Classification Sherloc (09022015). Collection method: clinical testing. Allele origin: germline.

Ambry Genetics
Classification: Likely benign for Cardiovascular phenotype; Hereditary cancer-predisposing syndrome. Last evaluated: 2022-11-15. Review status: criteria provided, single submitter. Criteria: Ambry Variant Classification Scheme 2023. Collection method: clinical testing. Allele origin: germline.

Genome-Nilou Lab
Classification: Uncertain significance for Neurofibromatosis, type 1. Last evaluated: 2022-03-15. Review status: criteria provided, single submitter. Criteria: ACMG Guidelines, 2015. Collection method: clinical testing. Allele origin: germline. Affected: no.

Ambry Genetics
Classification: Uncertain significance for Hereditary cancer-predisposing syndrome. Last evaluated: 2016-03-08. Review status: criteria provided, single submitter. Criteria: Ambry Autosomal Dominant and X-Linked criteria (10/2015). Collection method: clinical testing. Allele origin: germline. Observed: 1 variant allele.
Comment: The p.V1764I variant (also known as c.5290G>A), located in coding exon 38 of the NF1 gene, results from a G to A substitution at nucleotide position 5290. The valine at codon 1764 is replaced by isoleucine, an amino acid with highly similar properties. This variant was not reported in population based cohorts in the following databases: Database of Single Nucleotide Polymorphisms (dbSNP), NHLBI Exome Sequencing Project (ESP), and 1000 Genomes Project. In the ESP, this variant was not observed in 6503 samples (13006 alleles) with coverage at this position. To date, this alteration has been detected with an allele frequency of approximately 0.002% (greater than 110000alleles tested) in our clinical cohort.This amino acid position is highly conserved in available vertebrate species. In addition, the in silico prediction for this alteration is inconclusive.Since supporting evidence is limited at this time, the clinical significance of p.V1764Iremains unclear.